The following is an entry in ClinVar:

NM_000143.4(FH):c.1056dup (p.Leu353fs)

Gene: FH (fumarate hydratase; minus strand). Cytogenetic location: 1q43.
Variant type: Duplication.
Coding change: c.1056dup on transcript NM_000143.4 (MANE Select); coding-DNA position 1056, one base duplicated (T; older notation c.1056dupT).
Protein change: p.Leu353fs; shifts the reading frame from leucine 353.
Molecular consequence: frameshift variant.
Genome position (GRCh38, 1-based): chr1:241,504,094, A duplicated on the plus strand (T on the coding strand, the reverse complement: FH is on the minus strand). VCF-style (leftmost placement, unchanged base first): chr1-241504093-G-GA. GRCh37 (hg19) VCF-style: chr1-241667393-G-GA.
Other names: c.1056dupT (NM_000143.3); short protein forms L353fs.
Identifiers: ClinVar variation 214434 (VCV000214434.10), dbSNP rs863224016, ClinGen allele CA322151.

ClinVar aggregate classification (germline): Pathogenic. Review status: criteria provided, multiple submitters, no conflicts (2 of 4 stars). 3 submissions from 3 submitters: Pathogenic (3). Last evaluated 2024-10-28.

Conditions:
Hereditary leiomyomatosis and renal cell cancer. Also called: LEIOMYOMA, MULTIPLE CUTANEOUS; Reed syndrome; Multiple cutaneous and uterine leiomyomatosis; Cutaneous leiomyomata with uterine leiomyomata; Leiomyoma, hereditary multiple, of skin; Multiple cutaneous and uterine leiomyomata. Identifiers: Orphanet 523, MedGen C1708350, MONDO:0007888, OMIM 150800, HP:0007437. Disease mechanism: loss of function.
Hereditary cancer-predisposing syndrome. Also called: Tumor predisposition; Hereditary Cancer Syndrome; Hereditary neoplastic syndrome; Neoplastic Syndromes, Hereditary. Identifiers: Orphanet 140162, MedGen C0027672, MeSH D009386, MONDO:0015356.

Submissions (3):

Ambry Genetics
Classification: Pathogenic for Hereditary cancer-predisposing syndrome. Last evaluated: 2024-10-28. Review status: criteria provided, single submitter. Criteria: Ambry Variant Classification Scheme 2023. Collection method: clinical testing. Allele origin: germline.
Comment: The c.1056dupT pathogenic mutation, located in coding exon 7 of the FH gene, results from a duplication of T at nucleotide position 1056, causing a translational frameshift with a predicted alternate stop codon (p.L353Sfs*8). This alteration is expected to result in loss of function by premature protein truncation or nonsense-mediated mRNA decay. As such, this alteration is interpreted as a disease-causing mutation.

MGZ Medical Genetics Center
Classification: Pathogenic for Hereditary leiomyomatosis and renal cell cancer. Last evaluated: 2021-11-24. Review status: criteria provided, single submitter. Criteria: ACMG Guidelines, 2015. Collection method: clinical testing. Allele origin: germline. Affected: yes. Observed: 1 variant allele.
Comment: ACMG criteria applied: PVS1, PM2_SUP, PP4

GeneDx
Classification: Pathogenic. Last evaluated: 2014-01-09. Review status: criteria provided, single submitter. Criteria: GeneDx Variant Classification (06012015). Collection method: clinical testing. Allele origin: germline. Affected: yes.
Comment: c.1056dupT; p.Leu353SerfsX8. The normal sequence with the base that is duplicated in braces is: CAGG{T}CTGG. The c.1056dupT mutation in the FH gene causes a frameshift starting with codon Leucine 353, changes this amino acid to a Serine residue and creates a premature Stop codon at position 8 of the new reading frame, denoted p.Leu353SerfsX8 (L353SfsX8). This mutation is predicted to cause loss of normal protein function either through protein truncation or nonsense-mediated mRNA decay. Although this mutation has not been previously reported to our knowledge, its presence is consistent with a diagnosis of HLRCC. The variant is found in FH panel(s). The variant is found in FH panel(s).